The following is an entry in ClinVar:

ClinVar aggregate classification (germline): Likely benign (1 of 4 stars; one submission).

gnomAD v4.1: 171 of 1,289,904 alleles (0.013%); highest among the groups gnomAD compares: Middle Eastern, 0.45%; no homozygotes.

Submission:

CeGaT Center for Human Genetics Tuebingen
Classification: Likely benign. Last evaluated: 2025-07-01. Review status: criteria provided, single submitter. Criteria: CeGaT Center For Human Genetics Tuebingen Variant Classification Criteria Version 2. Collection method: clinical testing. Allele origin: germline. Affected: yes. Observed: 1 variant allele.
Comment: ZNF142: BP4, BP7

NM_001379659.1(ZNF142):c.729C>T (p.His243=)

Gene: ZNF142 (zinc finger protein 142; minus strand). Cytogenetic location: 2q35.
Variant type: single nucleotide variant.
Coding change: c.729C>T on transcript NM_001379659.1 (MANE Select); coding-DNA position 729, C replaced by T.
Protein change: p.His243=; no amino-acid change (histidine 243 retained).
Molecular consequence: synonymous variant. On other transcripts: intron variant (6).
Genome position (GRCh38, 1-based): chr2:218,651,852, G>A on the plus strand (C>T on the coding strand, the complement: ZNF142 is on the minus strand). VCF-style: chr2-218651852-G-A. GRCh37 (hg19) VCF-style: chr2-219516575-G-A.
Other names: c.729C>T, p.His243= (NM_001366290.3, NM_001379660.1, NM_001379661.1); c.281-1326C>T (NM_001379662.1, NM_001105537.4, NM_001366291.2); c.-331-30C>T (NM_001366289.2, NM_001366288.2, NM_001366287.2).
Identifiers: ClinVar variation 4083816 (VCV004083816.8).